The following is an entry in ClinVar:

NM_003803.4(MYOM1):c.191C>T (p.Ala64Val)

Gene: MYOM1 (myomesin 1; minus strand). Cytogenetic location: 18p11.31.
Variant type: single nucleotide variant.
Coding change: c.191C>T on transcript NM_003803.4 (MANE Select); coding-DNA position 191, C replaced by T.
Protein change: p.Ala64Val; replaces alanine 64 with valine.
Molecular consequence: missense variant.
Genome position (GRCh38, 1-based): chr18:3,215,033, G>A on the plus strand (C>T on the coding strand, the complement: MYOM1 is on the minus strand). VCF-style: chr18-3215033-G-A. GRCh37 (hg19) VCF-style: chr18-3215031-G-A.
Other names: c.191C>T, p.Ala64Val (NM_019856.2); short protein forms A64V.
Identifiers: ClinVar variation 1782634 (VCV001782634.2), dbSNP rs2510750698, ClinGen allele CA401718102.
Genomic context (GRCh38, chr18:3,215,033, plus strand): 5'-CGACTGACTTCAGAGCTCAGGGCGTGCTGCGAGGCCTGCTGCTGGGAGGAGGAGGCGGAC[G>A]CCCGACGGAAGGCCTCGGACTCCCGGCGGTGCGCGGCGGAGGAGCGGCTGCTGTAGGCCG-3'
Protein context (NP_003794.3, residues 54-74): HRRESEAFRR[Ala64Val]SASSSQQQAS

ClinVar aggregate classification (germline): Uncertain significance (1 of 4 stars; one submission).

Allele frequency attached by ClinVar (database versions not stated): gnomAD exomes below 0.00001.
gnomAD v4.1: 2 of 1,612,566 alleles (0.00012%); highest among the groups gnomAD compares: Non-Finnish European, 0.00017%; no homozygotes.

Submission:

Ambry Genetics
Classification: Uncertain significance. Last evaluated: 2022-09-08. Review status: criteria provided, single submitter. Criteria: Ambry Variant Classification Scheme 2023. Collection method: clinical testing. Allele origin: germline.
Comment: The p.A64V variant (also known as c.191C>T), located in coding exon 1 of the MYOM1 gene, results from a C to T substitution at nucleotide position 191. The alanine at codon 64 is replaced by valine, an amino acid with similar properties. This amino acid position is conserved. In addition, this alteration is predicted to be tolerated by in silico analysis. Since supporting evidence is limited at this time, the clinical significance of this alteration remains unclear.